The following is an entry in ClinVar:

NM_022437.3(ABCG8):c.1444C>G (p.Leu482Val)

Gene: ABCG8 (ATP binding cassette subfamily G member 8; plus strand). Cytogenetic location: 2p21.
Variant type: single nucleotide variant.
Coding change: c.1444C>G on transcript NM_022437.3 (MANE Select); coding-DNA position 1444, C replaced by G.
Protein change: p.Leu482Val; replaces leucine 482 with valine.
Molecular consequence: missense variant.
Genome position (GRCh38, 1-based): chr2:43,874,439, C>G. VCF-style: chr2-43874439-C-G. GRCh37 (hg19) VCF-style: chr2-44101578-C-G.
Other names: c.1441C>G, p.Leu481Val (NM_001357321.2); short protein forms L481V, L482V.
Identifiers: ClinVar variation 4149900 (VCV004149900.1).

ClinVar aggregate classification (germline): Uncertain significance (1 of 4 stars; one submission).

Conditions:
Cardiovascular phenotype. Identifiers: MedGen CN230736.

gnomAD v4.1: 29 of 1,613,710 alleles (0.0018%); highest among the groups gnomAD compares: Non-Finnish European, 0.0025%; no homozygotes.

Submission:

Ambry Genetics
Classification: Uncertain significance for Cardiovascular phenotype. Last evaluated: 2025-06-16. Review status: criteria provided, single submitter. Criteria: Ambry Variant Classification Scheme 2023. Collection method: clinical testing. Allele origin: germline.
Comment: The p.L482V variant (also known as c.1444C>G), located in coding exon 10 of the ABCG8 gene, results from a C to G substitution at nucleotide position 1444. The leucine at codon 482 is replaced by valine, an amino acid with highly similar properties. This amino acid position is conserved. In addition, this alteration is predicted to be tolerated by in silico analysis. Based on the available evidence, the clinical significance of this variant remains unclear.